The following is an entry in ClinVar:

ClinVar aggregate classification (germline): Pathogenic (1 of 4 stars; one submission).

Conditions:
Pendred syndrome (PDS). Also called: HYPOTHYROIDISM, CONGENITAL, DUE TO DYSHORMONOGENESIS, 2B; THYROID DYSHORMONOGENESIS 2B; THYROID HORMONOGENESIS, GENETIC DEFECT IN, 2B; Pendred Syndrome (PDS); Pendred's syndrome; DEAFNESS WITH GOITER. Identifiers: Orphanet 705, MedGen C0271829, MONDO:0010134, OMIM 274600.

Submission:

Women's Health and Genetics/Laboratory Corporation of America, LabCorp
Classification: Pathogenic for Pendred syndrome. Last evaluated: 2025-09-24. Review status: criteria provided, single submitter. Criteria: LabCorp Variant Classification Summary - May 2015. Collection method: clinical testing. Allele origin: germline.
Comment: Variant summary: The variant involves the deletion of exons 1-3 in the SLC26A4 gene. The exact breakpoint at the 5' end of this variant is unknown, therefore this deletion may extend upstream of the annotated region of this gene. Although the exact breakpoints of this deletion are not known, it is predicted to remove the initiation codon and result in an absence of protein or a truncation of the encoded protein due to translation initiation at a downstream site. Loss-of-function variants in this gene are known to be pathogenic. A presumed nomenclature of c.(?_-32)_(304+1_305-1)del has been designated for the purposes of this classification. The variant was absent in 21694 control chromosomes. Similar deletions have been observed in individual(s) affected with deafness/Pendred syndrome (examples: Li_MGGM_2021, Lin_JMD_2019). The following publications have been ascertained in the context of this evaluation (PMID: 33724713, 30268946). ClinVar contains an entry for this variant (Variation ID: 245850). Based on the evidence outlined above, the variant was classified as pathogenic.

Literature cited by the submitters: PubMed 33724713; PubMed 30268946.

NC_000007.13:g.(?_107301272)_(107303881_107312582)del

Gene: SLC26A4 (solute carrier family 26 member 4; plus strand). Cytogenetic location: 7q22.3.
Variant type: Deletion.
Identifiers: ClinVar variation 4536002 (VCV004536002.1).